The following is an entry in ClinVar:

NM_020987.5(ANK3):c.6113C>T (p.Thr2038Ile)

Gene: ANK3 (ankyrin 3; minus strand). Cytogenetic location: 10q21.2.
Variant type: single nucleotide variant.
Coding change: c.6113C>T on transcript NM_020987.5 (MANE Select); coding-DNA position 6113, C replaced by T.
Protein change: p.Thr2038Ile; replaces threonine 2038 with isoleucine.
Molecular consequence: missense variant. On other transcripts: intron variant (4).
Genome position (GRCh38, 1-based): chr10:60,074,768, G>A on the plus strand (C>T on the coding strand, the complement: ANK3 is on the minus strand). VCF-style: chr10-60074768-G-A. GRCh37 (hg19) VCF-style: chr10-61834526-G-A.
Other names: c.4387+5769C>T (NM_001204403.2); c.4408+5769C>T (NM_001204404.2); c.4405+5769C>T (NM_001320874.2); c.1807+5769C>T (NM_001149.4); short protein forms T2038I.
Identifiers: ClinVar variation 1363681 (VCV001363681.6), dbSNP rs1183056596, ClinGen allele CA377014081.

ClinVar aggregate classification (germline): Uncertain significance (1 of 4 stars; one submission).

Allele frequency attached by ClinVar (database versions not stated): gnomAD exomes 0.00001.
gnomAD v4.1: 2 of 1,614,056 alleles (0.00012%); highest among the groups gnomAD compares: Admixed American, 0.0033%; no homozygotes.

Submission:

Labcorp Genetics (formerly Invitae), Labcorp
Classification: Uncertain significance. Last evaluated: 2021-12-03. Review status: criteria provided, single submitter. Criteria: Invitae Variant Classification Sherloc (09022015). Collection method: clinical testing. Allele origin: germline.
Comment: This sequence change replaces threonine with isoleucine at codon 2038 of the ANK3 protein (p.Thr2038Ile). The threonine residue is moderately conserved and there is a moderate physicochemical difference between threonine and isoleucine. This variant is present in population databases (no rsID available, gnomAD 0.006%). This variant has not been reported in the literature in individuals affected with ANK3-related conditions. Algorithms developed to predict the effect of missense changes on protein structure and function are either unavailable or do not agree on the potential impact of this missense change (SIFT: "Not Available"; PolyPhen-2: "Probably Damaging"; Align-GVGD: "Not Available"). In summary, the available evidence is currently insufficient to determine the role of this variant in disease. Therefore, it has been classified as a Variant of Uncertain Significance.